The following is an entry in ClinVar:

ClinVar aggregate classification (germline): Conflicting classifications of pathogenicity. Review status: criteria provided, conflicting classifications (1 of 4 stars). 2 submissions from 2 submitters: Uncertain significance (1); Likely benign (1). Last evaluated 2025-04-13.

Conditions:
Loeys-Dietz syndrome 2 (LDS2). Also called: Marfan syndrome, type 2 (formerly); TGFBR2-Related Loeys-Dietz Syndrome; Marfan Syndrome type 2; Marfan like connective tissue disorder; MFS 2; MARFAN SYNDROME, TYPE II. Identifiers: Orphanet 284973, Orphanet 558, MedGen C2674574, MONDO:0012427, OMIM 610168.

Allele frequency attached by ClinVar (database versions not stated): gnomAD below 0.00001 and 0.00002; TOPMed 0.00001; gnomAD exomes 0.00007 and 0.00012; ExAC 0.00012.
gnomAD v4.1: 96 of 1,614,000 alleles (0.0059%); highest among the groups gnomAD compares: South Asian, 0.1%; 2 homozygotes.

Submissions (2):

Labcorp Genetics (formerly Invitae), Labcorp
Classification: Uncertain significance for Loeys-Dietz syndrome 2. Last evaluated: 2025-04-13. Review status: criteria provided, single submitter. Criteria: Invitae Variant Classification Sherloc (09022015). Collection method: clinical testing. Allele origin: germline.
Comment: This sequence change replaces proline, which is neutral and non-polar, with leucine, which is neutral and non-polar, at codon 205 of the TMPO protein (p.Pro205Leu). This variant is present in population databases (rs747066370, gnomAD 0.08%), and has an allele count higher than expected for a pathogenic variant. This variant has not been reported in the literature in individuals affected with TMPO-related conditions. ClinVar contains an entry for this variant (Variation ID: 1008195). Invitae Evidence Modeling of protein sequence and biophysical properties (such as structural, functional, and spatial information, amino acid conservation, physicochemical variation, residue mobility, and thermodynamic stability) indicates that this missense variant is not expected to disrupt TMPO protein function with a negative predictive value of 80%. In summary, the available evidence is currently insufficient to determine the role of this variant in disease. Therefore, it has been classified as a Variant of Uncertain Significance.

Ambry Genetics
Classification: Likely benign. Last evaluated: 2025-04-03. Review status: criteria provided, single submitter. Criteria: Ambry Variant Classification Scheme 2023. Collection method: clinical testing. Allele origin: germline.

NM_001032283.3(TMPO):c.565+1033C>T

Gene: TMPO (thymopoietin; plus strand). Cytogenetic location: 12q23.1.
Variant type: single nucleotide variant.
Coding change: c.565+1033C>T on transcript NM_001032283.3 (MANE Select); 1033 bases into the intron after coding-DNA position 565, C replaced by T.
Molecular consequence: intron variant. On other transcripts: missense variant (1).
Genome position (GRCh38, 1-based): chr12:98,532,871, C>T. VCF-style: chr12-98532871-C-T. GRCh37 (hg19) VCF-style: chr12-98926649-C-T.
Other names: c.614C>T, p.Pro205Leu (NM_003276.2); c.565+1033C>T (NM_001307975.2, NM_001032284.3); short protein forms P205L.
Identifiers: ClinVar variation 1008195 (VCV001008195.9), dbSNP rs747066370, ClinGen allele CA6732256.